The following is an entry in ClinVar:

NC_000016.9:g.(?_31120545)_(31123586_?)dup

Gene: BCKDK (branched chain keto acid dehydrogenase kinase; plus strand). Cytogenetic location: 16p11.2.
Variant type: Duplication.
Identifiers: ClinVar variation 3243521 (VCV003243521.1).

ClinVar aggregate classification (germline): Uncertain significance (1 of 4 stars; one submission).

Conditions:
Branched-chain keto acid dehydrogenase kinase deficiency (BCKDKD). Also called: BCKDK DEFICIENCY. Identifiers: Orphanet 308410, MedGen C3554078, MONDO:0013970, OMIM 614923.

Submission:

Labcorp Genetics (formerly Invitae), Labcorp
Classification: Uncertain significance for Branched-chain keto acid dehydrogenase kinase deficiency. Last evaluated: 2023-10-24. Review status: criteria provided, single submitter. Criteria: Invitae Variant Classification Sherloc (09022015). Collection method: clinical testing. Allele origin: unknown.
Comment: A copy number gain of the genomic region encompassing the full coding sequence of the BCKDK gene has been identified. The boundaries of this event are unknown as they extend beyond the assayed region for this gene and therefore may encompass additional genes. As the precise location of this event is unknown, it may be in tandem or it may be located elsewhere in the genome. This variant has not been reported in the literature in individuals affected with BCKDK-related conditions. In summary, the available evidence is currently insufficient to determine the role of this variant in disease. Therefore, it has been classified as a Variant of Uncertain Significance.